The following is an entry in ClinVar:

ClinVar aggregate classification (germline): Uncertain significance (1 of 4 stars; one submission).

Allele frequency attached by ClinVar (database versions not stated): TOPMed below 0.00001.
gnomAD v4.1: 1 of 1,614,146 alleles (0.000062%); no homozygotes.

Submission:

GeneDx
Classification: Uncertain significance. Last evaluated: 2022-10-10. Review status: criteria provided, single submitter. Criteria: GeneDx Variant Classification Process June 2021. Collection method: clinical testing. Allele origin: germline. Affected: yes.
Comment: Not observed at significant frequency in large population cohorts (gnomAD); In silico analysis supports that this missense variant has a deleterious effect on protein structure/function; Has not been previously published as pathogenic or benign to our knowledge

NM_015335.5(MED13L):c.6310G>T (p.Ala2104Ser)

Gene: MED13L (mediator complex subunit 13L; minus strand). Cytogenetic location: 12q24.21.
Variant type: single nucleotide variant.
Coding change: c.6310G>T on transcript NM_015335.5 (MANE Select); coding-DNA position 6310, G replaced by T.
Protein change: p.Ala2104Ser; replaces alanine 2104 with serine.
Molecular consequence: missense variant.
Genome position (GRCh38, 1-based): chr12:115,966,159, C>A on the plus strand (G>T on the coding strand, the complement: MED13L is on the minus strand). VCF-style: chr12-115966159-C-A. GRCh37 (hg19) VCF-style: chr12-116403964-C-A.
Other names: short protein forms A2104S.
Identifiers: ClinVar variation 1328743 (VCV001328743.3), dbSNP rs1019178380, ClinGen allele CA244130658.